The following is an entry in ClinVar:

ClinVar aggregate classification (germline): Likely benign. Review status: criteria provided, multiple submitters, no conflicts (2 of 4 stars). 4 submissions from 4 submitters: Likely benign (4). Last evaluated 2025-08-01.

Allele frequency attached by ClinVar (database versions not stated): gnomAD exomes 0.00013 and 0.00019; 1000 Genomes Project 30x 0.00016; 1000 Genomes Project 0.00020; gnomAD 0.00023 and 0.00024; ExAC 0.00026; TOPMed 0.00026; ESP Exome Variant Server 0.00062.
gnomAD v4.1: 222 of 1,604,716 alleles (0.014%); highest among the groups gnomAD compares: African/African-American, 0.025%; 1 homozygote.

Submissions (4):

CeGaT Center for Human Genetics Tuebingen
Classification: Likely benign. Last evaluated: 2025-08-01. Review status: criteria provided, single submitter. Criteria: CeGaT Center For Human Genetics Tuebingen Variant Classification Criteria Version 2. Collection method: clinical testing. Allele origin: germline. Affected: yes. Observed: 1 variant allele.
Comment: WDR81: BP4, BP7

Laboratory of Genetics, Children's Clinical University Hospital Latvia
Classification: Likely benign. Last evaluated: 2025-02-16. Review status: criteria provided, single submitter. Criteria: ACMG Guidelines, 2015. Collection method: clinical testing. Allele origin: germline. Affected: yes.

Blueprint Genetics
Classification: Likely benign. Last evaluated: 2024-10-25. Review status: criteria provided, single submitter. Criteria: ACMG Guidelines, 2015. Collection method: clinical testing. Allele origin: germline.

Labcorp Genetics (formerly Invitae), Labcorp
Classification: Likely benign. Last evaluated: 2018-07-03. Review status: criteria provided, single submitter. Criteria: Invitae Variant Classification Sherloc (09022015). Collection method: clinical testing. Allele origin: germline.

NM_001163809.2(WDR81):c.4608C>T (p.Pro1536=)

Gene: WDR81 (WD repeat domain 81; plus strand). Cytogenetic location: 17p13.3.
Variant type: single nucleotide variant.
Coding change: c.4608C>T on transcript NM_001163809.2 (MANE Select); coding-DNA position 4608, C replaced by T.
Protein change: p.Pro1536=; no amino-acid change (proline 1536 retained).
Molecular consequence: synonymous variant.
Genome position (GRCh38, 1-based): chr17:1,733,645, C>T. VCF-style: chr17-1733645-C-T. GRCh37 (hg19) VCF-style: chr17-1636939-C-T.
Other names: c.999C>T, p.Pro333= (NM_001163673.2); c.927C>T, p.Pro309= (NM_001163811.2); c.1455C>T, p.Pro485= (NM_152348.4).
Identifiers: ClinVar variation 764250 (VCV000764250.13), dbSNP rs151174953, ClinGen allele CA8273615.